The following is an entry in ClinVar:

ClinVar aggregate classification (germline): Conflicting classifications of pathogenicity. Review status: criteria provided, conflicting classifications (1 of 4 stars). 3 submissions from 3 submitters: Pathogenic (1); Uncertain significance (1). 1 of the submissions does not count toward it. Last evaluated 2022-08-06.

Conditions:
Cardiomyopathy, mitochondrial. Also called: Maternally inherited cardiomyopathy; Mitochondrial cardiomyopathy disorder. Identifiers: MedGen C3532239.
Combined oxidative phosphorylation deficiency 40. Identifiers: Orphanet 570491, MedGen C5394232, MONDO:0030006, OMIM 618835.

Submissions (3):

Labcorp Genetics (formerly Invitae), Labcorp
Classification: Uncertain significance. Last evaluated: 2022-08-06. Review status: criteria provided, single submitter. Criteria: Invitae Variant Classification Sherloc (09022015). Collection method: clinical testing. Allele origin: germline.
Comment: ClinVar contains an entry for this variant (Variation ID: 559416). Algorithms developed to predict the effect of missense changes on protein structure and function are either unavailable or do not agree on the potential impact of this missense change (SIFT: "Not Available"; PolyPhen-2: "Probably Damaging"; Align-GVGD: "Not Available"). In summary, the available evidence is currently insufficient to determine the role of this variant in disease. Therefore, it has been classified as a Variant of Uncertain Significance. This missense change has been observed in individual(s) with combined oxidative phosphorylation deficiency (PMID: 30283131). This sequence change replaces alanine, which is neutral and non-polar, with leucine, which is neutral and non-polar, at codon 427 of the QRSL1 protein (p.Ala427Leu). The frequency data for this variant in the population databases is considered unreliable, as metrics indicate poor data quality at this position in the gnomAD database.

The Genetics Institute, Rambam Health Care Campus
Classification: Pathogenic for Mitochondrial cardiomyopathy disorder. Last evaluated: 2018-05-13. Review status: criteria provided, single submitter. Criteria: Submitter's publication. Collection method: research. Allele origin: germline. Affected: yes.

OMIM
Classification: Pathogenic for COMBINED OXIDATIVE PHOSPHORYLATION DEFICIENCY 40. Last evaluated: 2020-04-11. Review status: no assertion criteria provided. Collection method: literature only. Allele origin: germline. Not counted in ClinVar's aggregate classification.

Literature cited by the submitters: PubMed 30283131 (cited by Labcorp Genetics (formerly Invitae), Labcorp and OMIM).

NM_018292.5(QRSL1):c.1279_1280delinsTT (p.Ala427Leu)

Gene: QRSL1 (glutaminyl-tRNA amidotransferase subunit QRSL1; plus strand). Cytogenetic location: 6q21.
Variant type: Indel.
Coding change: c.1279_1280delinsTT on transcript NM_018292.5 (MANE Select); coding-DNA positions 1279 to 1280, GC replaced by TT.
Protein change: p.Ala427Leu; replaces alanine 427 with leucine.
Molecular consequence: missense variant.
Genome position (GRCh38, 1-based): chr6:106,663,098-106,663,099, GC replaced by TT. VCF-style: chr6-106663098-GC-TT. GRCh37 (hg19) VCF-style: chr6-107110973-GC-TT.
Other names: short protein forms A427L.
Identifiers: ClinVar variation 559416 (VCV000559416.7), dbSNP rs1562173313, ClinGen allele CA891842803.
Genomic context (GRCh38, chr6:106,663,098, plus strand): 5'-TTTGTAAATGCTTTTAACTCTGGAGTAGATGTCTTGCTAACTCCCACCACCTTGAGTGAG[GC>TT]AGTACCATACTTGGAGTTCATCAAAGAGGACAACAGAACCCGAAGTGCCCAGGATGATAT-3'
Protein context (NP_060762.3, residues 417-437): VLLTPTTLSE[Ala427Leu]VPYLEFIKED